The following is an entry in ClinVar:

ClinVar aggregate classification (germline): Uncertain significance. Review status: criteria provided, multiple submitters, no conflicts (2 of 4 stars). 2 submissions from 2 submitters: Uncertain significance (2). Last evaluated 2026-02-23.

Conditions:
Inborn genetic diseases. Identifiers: MedGen C0950123, MeSH D030342.
Neurodevelopmental disorder with hypotonia, stereotypic hand movements, and impaired language. Also called: Intellectual disability, autosomal dominant 20. Identifiers: Orphanet 228384, Orphanet 664410, MedGen C3150700, MONDO:0013266, OMIM 613443.

Submissions (2):

Ambry Genetics
Classification: Uncertain significance for Inborn genetic diseases. Last evaluated: 2026-02-23. Review status: criteria provided, single submitter. Criteria: Ambry Variant Classification Scheme 2023. Collection method: clinical testing. Allele origin: germline.

Labcorp Genetics (formerly Invitae), Labcorp
Classification: Uncertain significance for Neurodevelopmental disorder with hypotonia, stereotypic hand movements, and impaired language. Last evaluated: 2024-07-01. Review status: criteria provided, single submitter. Criteria: Invitae Variant Classification Sherloc (09022015). Collection method: clinical testing. Allele origin: germline.
Comment: This sequence change replaces proline, which is neutral and non-polar, with threonine, which is neutral and polar, at codon 219 of the MEF2C protein (p.Pro219Thr). This variant is not present in population databases (gnomAD no frequency). This variant has not been reported in the literature in individuals affected with MEF2C-related conditions. ClinVar contains an entry for this variant (Variation ID: 2104684). Advanced modeling of protein sequence and biophysical properties (such as structural, functional, and spatial information, amino acid conservation, physicochemical variation, residue mobility, and thermodynamic stability) performed at Invitae indicates that this missense variant is not expected to disrupt MEF2C protein function with a negative predictive value of 80%. In summary, the available evidence is currently insufficient to determine the role of this variant in disease. Therefore, it has been classified as a Variant of Uncertain Significance.

NM_002397.5(MEF2C):c.655C>A (p.Pro219Thr)

Gene: MEF2C (myocyte enhancer factor 2C; minus strand). Cytogenetic location: 5q14.3.
Variant type: single nucleotide variant.
Coding change: c.655C>A on transcript NM_002397.5 (MANE Select); coding-DNA position 655, C replaced by A.
Protein change: p.Pro219Thr; replaces proline 219 with threonine.
Molecular consequence: missense variant.
Genome position (GRCh38, 1-based): chr5:88,731,884, G>T on the plus strand (C>A on the coding strand, the complement: MEF2C is on the minus strand). VCF-style: chr5-88731884-G-T. GRCh37 (hg19) VCF-style: chr5-88027701-G-T.
Other names: c.649C>A, p.Pro217Thr (NM_001131005.2, NM_001364343.2, NM_001364352.2); c.709C>A, p.Pro237Thr (NM_001193347.1, NM_001364338.2); c.511C>A, p.Pro171Thr (NM_001193348.1, NM_001193349.3, NM_001364332.2 and 3 more transcripts); c.655C>A, p.Pro219Thr (NM_001193350.2, NM_001308002.3, NM_001363581.2 and 18 more transcripts); c.229C>A, p.Pro77Thr (NM_001364357.2); c.277C>A, p.Pro93Thr (NM_001364353.2, NM_001364356.2); c.655C>A (NM_002397.4); short protein forms P171T, P93T, P217T, P219T, P237T, P77T.
Identifiers: ClinVar variation 2104684 (VCV002104684.5), dbSNP rs2547088030, ClinGen allele CA360423492.